The following is an entry in ClinVar:

NM_000234.3(LIG1):c.2150-3C>T

Gene: LIG1 (DNA ligase 1; minus strand). Cytogenetic location: 19q13.33.
Variant type: single nucleotide variant.
Coding change: c.2150-3C>T on transcript NM_000234.3 (MANE Select); 3 bases into the intron before coding-DNA position 2150, C replaced by T.
Molecular consequence: intron variant.
Genome position (GRCh38, 1-based): chr19:48,123,019, G>A on the plus strand (C>T on the coding strand, the complement: LIG1 is on the minus strand). VCF-style: chr19-48123019-G-A. GRCh37 (hg19) VCF-style: chr19-48626276-G-A.
Other names: c.2057-3C>T (NM_001289063.2); c.2060-3C>T (NM_001320971.2); c.1946-3C>T (NM_001289064.2); c.2147-3C>T (NM_001320970.2).
Identifiers: ClinVar variation 1518212 (VCV001518212.6), dbSNP rs1469561002, ClinGen allele CA633575624.

ClinVar aggregate classification (germline): Uncertain significance (1 of 4 stars; one submission).

Allele frequency attached by ClinVar (database versions not stated): gnomAD exomes below 0.00001.
gnomAD v4.1: 1 of 1,613,894 alleles (0.000062%); highest among the groups gnomAD compares: South Asian, 0.0011%; no homozygotes.

Submission:

Labcorp Genetics (formerly Invitae), Labcorp
Classification: Uncertain significance. Last evaluated: 2021-09-09. Review status: criteria provided, single submitter. Criteria: Invitae Variant Classification Sherloc (09022015). Collection method: clinical testing. Allele origin: germline.
Comment: This sequence change falls in intron 22 of the LIG1 gene. It does not directly change the encoded amino acid sequence of the LIG1 protein. It affects a nucleotide within the consensus splice site of the intron. This variant is not present in population databases (ExAC no frequency). This variant has not been reported in the literature in individuals affected with LIG1-related conditions. Variants that disrupt the consensus splice site are a relatively common cause of aberrant splicing (PMID: 17576681, 9536098). Algorithms developed to predict the effect of sequence changes on RNA splicing suggest that this variant is not likely to affect RNA splicing. In summary, the available evidence is currently insufficient to determine the role of this variant in disease. Therefore, it has been classified as a Variant of Uncertain Significance.

Literature cited by the submitters: PubMed 17576681; PubMed 9536098.